The following is an entry in ClinVar:

NM_021076.4(NEFH):c.702C>T (p.His234=)

Gene: NEFH (neurofilament heavy chain; plus strand). Cytogenetic location: 22q12.2.
Variant type: single nucleotide variant.
Coding change: c.702C>T on transcript NM_021076.4 (MANE Select); coding-DNA position 702, C replaced by T.
Protein change: p.His234=; no amino-acid change (histidine 234 retained).
Molecular consequence: synonymous variant.
Genome position (GRCh38, 1-based): chr22:29,480,964, C>T. VCF-style: chr22-29480964-C-T. GRCh37 (hg19) VCF-style: chr22-29876953-C-T.
Other names: p.His234=.
Identifiers: ClinVar variation 747948 (VCV000747948.4), dbSNP rs1205461096, ClinGen allele CA514174052.

ClinVar aggregate classification (germline): Likely benign. Review status: criteria provided, multiple submitters, no conflicts (2 of 4 stars). 2 submissions from 2 submitters: Likely benign (2). Last evaluated 2025-09-24.

Allele frequency attached by ClinVar (database versions not stated): gnomAD 0.00001 and 0.00002; gnomAD exomes 0.00002; TOPMed 0.00002.

Submissions (2):

Mayo Clinic Laboratories, Mayo Clinic
Classification: Likely benign. Last evaluated: 2025-09-24. Review status: criteria provided, single submitter. Criteria: ACMG Guidelines, 2015. Collection method: clinical testing. Allele origin: germline. Observed: 1 variant allele.
Comment: BP4, BP7

Labcorp Genetics (formerly Invitae), Labcorp
Classification: Likely benign. Last evaluated: 2018-06-13. Review status: criteria provided, single submitter. Criteria: Invitae Variant Classification Sherloc (09022015). Collection method: clinical testing. Allele origin: germline.